The following is an entry in ClinVar:

NM_007294.4(BRCA1):c.3268C>T (p.Gln1090Ter)

Genes: BRCA1 (BRCA1 DNA repair associated; minus strand), LOC126862571 (BRD4-independent group 4 enhancer GRCh37_chr17:41243136-41244335; plus strand). Cytogenetic location: 17q21.31.
Variant type: single nucleotide variant.
Coding change: c.3268C>T on transcript NM_007294.4 (MANE Select); coding-DNA position 3268, C replaced by T.
Protein change: p.Gln1090Ter; replaces glutamine 1090 with a stop codon.
Molecular consequence: nonsense. On other transcripts: intron variant (137).
Genome position (GRCh38, 1-based): chr17:43,092,263, G>A on the plus strand (C>T on the coding strand, the complement: BRCA1 is on the minus strand). VCF-style: chr17-43092263-G-A. GRCh37 (hg19) VCF-style: chr17-41244280-G-A.
Other names: c.3055C>T, p.Gln1019Ter (NM_001407571.1, NM_001407853.1, NM_001407894.1 and 9 more transcripts); c.3268C>T, p.Gln1090Ter (NM_001407581.1, NM_001407582.1, NM_001407583.1 and 30 more transcripts); c.3265C>T, p.Gln1089Ter (NM_001407587.1, NM_001407590.1, NM_001407591.1 and 22 more transcripts); c.3259C>T, p.Gln1087Ter (NM_001407646.1, NM_001407647.1); c.3145C>T, p.Gln1049Ter (NM_001407648.1, NM_001407664.1, NM_001407665.1 and 19 more transcripts); c.3142C>T, p.Gln1048Ter (NM_001407649.1, NM_001407670.1, NM_001407671.1 and 11 more transcripts); c.3190C>T, p.Gln1064Ter (NM_001407653.1, NM_001407654.1, NM_001407655.1 and 4 more transcripts); c.3187C>T, p.Gln1063Ter (NM_001407659.1, NM_001407660.1, NM_001407661.1 and 1 more transcripts); and 41 more; short protein forms Q1090*, Q1043*, Q1023*, Q1049*, Q1064*, Q794*, Q962*, Q963*.
Identifiers: ClinVar variation 54815 (VCV000054815.25), dbSNP rs80357402, ClinGen allele CA002112.

ClinVar aggregate classification (germline): Pathogenic. Review status: reviewed by expert panel (3 of 4 stars). 8 submissions from 8 submitters: Pathogenic (1). 7 of the submissions do not count toward it. Last evaluated 2016-09-08.

Conditions:
Hereditary cancer-predisposing syndrome. Also called: Tumor predisposition; Neoplastic Syndromes, Hereditary; Hereditary Cancer Syndrome; Hereditary neoplastic syndrome. Identifiers: Orphanet 140162, MedGen C0027672, MeSH D009386, MONDO:0015356.
Ovarian neoplasm. Also called: Ovarian tumor; Neoplasm of ovary; Ovarian Neoplasms. Identifiers: MedGen C0919267, MeSH D010051, MONDO:0021068, HP:0100615.
Hereditary breast ovarian cancer syndrome. Also called: Hereditary breast and ovarian cancer syndrome (HBOC); Hereditary breast and ovarian cancer syndrome; Hereditary breast and ovarian cancer; Hereditary breast and/or ovarian cancer syndrome; Breast and ovarian cancer; BRCA1- and BRCA2-Associated Hereditary Breast and Ovarian Cancer. Identifiers: Orphanet 145, MedGen C0677776, MeSH D061325, MONDO:0003582. Disease mechanism: loss of function.
Breast-ovarian cancer, familial, susceptibility to, 1 (BROVCA1). Also called: OVARIAN CANCER, SUSCEPTIBILITY TO; BRCA1 Hereditary Breast and Ovarian Cancer. Identifiers: Orphanet 145, MedGen C2676676, MONDO:0011450, OMIM 604370. Disease mechanism: loss of function.

Submissions (8):

Evidence-based Network for the Interpretation of Germline Mutant Alleles (ENIGMA)
Classification: Pathogenic for Breast-ovarian cancer, familial, susceptibility to, 1. Last evaluated: 2016-09-08. Review status: reviewed by expert panel. Criteria: ENIGMA BRCA1/2 Classification Criteria (2015). Collection method: curation. Allele origin: germline.
Comment: Variant allele predicted to encode a truncated non-functional protein.

Ambry Genetics
Classification: Pathogenic for Hereditary cancer-predisposing syndrome. Last evaluated: 2025-07-22. Review status: criteria provided, single submitter. Criteria: Ambry Variant Classification Scheme 2023. Collection method: clinical testing. Allele origin: germline. Not counted in ClinVar's aggregate classification.
Comment: The p.Q1090* pathogenic mutation (also known as c.3268C>T), located in coding exon 9 of the BRCA1 gene, results from a C to T substitution at nucleotide position 3268. This changes the amino acid from a glutamine to a stop codon within coding exon 9. This alteration was identified in multiple individuals with a personal and/or family history of breast cancer (Gao Q et al. Hum. Genet., 2000 Aug;107:192-4; Wong-Brown MW et al. Breast Cancer Res. Treat., 2015 Feb;150:71-80). This alteration is expected to result in loss of function by premature protein truncation or nonsense-mediated mRNA decay. As such, this alteration is interpreted as a disease-causing mutation.

Labcorp Genetics (formerly Invitae), Labcorp
Classification: Pathogenic for Hereditary breast ovarian cancer syndrome. Last evaluated: 2023-11-24. Review status: criteria provided, single submitter. Criteria: Invitae Variant Classification Sherloc (09022015). Collection method: clinical testing. Allele origin: germline. Not counted in ClinVar's aggregate classification.
Comment: This sequence change creates a premature translational stop signal (p.Gln1090*) in the BRCA1 gene. It is expected to result in an absent or disrupted protein product. Loss-of-function variants in BRCA1 are known to be pathogenic (PMID: 20104584). This variant is not present in population databases (gnomAD no frequency). This premature translational stop signal has been observed in individual(s) with breast and/or ovarian cancer (PMID: 11030418, 25682074, 29446198). ClinVar contains an entry for this variant (Variation ID: 54815). For these reasons, this variant has been classified as Pathogenic.

Color Diagnostics, LLC DBA Color Health
Classification: Pathogenic for Hereditary cancer-predisposing syndrome. Last evaluated: 2019-11-11. Review status: criteria provided, single submitter. Criteria: ACMG Guidelines, 2015. Collection method: clinical testing. Allele origin: germline. Not counted in ClinVar's aggregate classification.
Comment: This variant changes 1 nucleotide in exon 10 of the BRCA1 gene, creating a premature translation stop signal. This variant is expected to result in an absent or non-functional protein product. Splice site prediction tools suggest that this variant may not impact RNA splicing. To our knowledge, functional studies have not been performed for this variant. This variant has been reported in individuals affected with breast cancer (PMID: 11030418, 22739995, 25682074). This variant has not been identified in the general population by the Genome Aggregation Database (gnomAD). Loss of BRCA1 function is a known mechanism of disease. Based on the available evidence, this variant is classified as Pathogenic.

Women's Health and Genetics/Laboratory Corporation of America, LabCorp
Classification: Pathogenic for Hereditary breast and ovarian cancer syndrome. Last evaluated: 2018-08-24. Review status: criteria provided, single submitter. Criteria: LabCorp Variant Classification Summary - May 2015. Collection method: clinical testing. Allele origin: germline. Not counted in ClinVar's aggregate classification.
Comment: Variant summary: BRCA1 c.3268C>T (p.Gln1090X) results in a premature termination codon, predicted to cause a truncation of the encoded protein or absence of the protein due to nonsense mediated decay, which are commonly known mechanisms for disease. Truncations downstream of this position have been classified as pathogenic by our laboratory (e.g. c.3288_3289delAA (p.Leu1098fsX4), c.3296delC (p.Pro1099fsX10), c.3331C>T (p.Gln1111X)). The variant was absent in 276164 control chromosomes (gnomAD). c.3268C>T has been reported in the literature in individuals affected with Hereditary Breast and Ovarian Cancer (Gao 2000, Fackenthal 2012, Wong-Brown 2015). These data indicate that the variant may be associated with disease. To our knowledge, no experimental evidence demonstrating an impact on protein function has been reported. Two other clinical diagnostic laboratories have submitted clinical-significance assessments for this variant to ClinVar after 2014 without evidence for independent evaluation, and both classified the variant as pathogenic. Based on the evidence outlined above, the variant was classified as pathogenic.

Consortium of Investigators of Modifiers of BRCA1/2 (CIMBA), c/o University of Cambridge
Classification: Pathogenic for Breast-ovarian cancer, familial, susceptibility to, 1. Last evaluated: 2015-10-02. Review status: criteria provided, single submitter. Criteria: CIMBA Mutation Classification guidelines May 2016. Collection method: clinical testing. Allele origin: germline. Not counted in ClinVar's aggregate classification.

German Consortium for Hereditary Breast and Ovarian Cancer, University Hospital Cologne
Classification: Pathogenic for Ovarian neoplasm. Last evaluated: 2018-12-01. Review status: no assertion criteria provided. Collection method: research. Allele origin: germline. Affected: yes. Not counted in ClinVar's aggregate classification.

Breast Cancer Information Core (BIC) (BRCA1)
Classification: Pathogenic for Breast-ovarian cancer, familial 1. Last evaluated: 2004-11-25. Review status: no assertion criteria provided. Collection method: clinical testing. Allele origin: germline. Affected: yes. Observed: 1 variant allele. Not counted in ClinVar's aggregate classification.

Literature cited by the submitters: PubMed 11030418 (cited by 3 submitters); PubMed 25682074 (cited by 3 submitters); PubMed 20104584 (cited by Labcorp Genetics (formerly Invitae), Labcorp); PubMed 29446198 (cited by Labcorp Genetics (formerly Invitae), Labcorp); PubMed 22034289 (cited by Women's Health and Genetics/Laboratory Corporation of America, LabCorp).